The following is an entry in ClinVar:

ClinVar aggregate classification (germline): Likely benign (0 of 4 stars; one submission).

Conditions:
BCAT1-related disorder. Also called: BCAT1-related condition.

Allele frequency attached by ClinVar (database versions not stated): ExAC 0.00002; gnomAD 0.00002; TOPMed 0.00002; gnomAD exomes 0.00004.
gnomAD v4.1: 70 of 1,612,966 alleles (0.0043%); highest among the groups gnomAD compares: Middle Eastern, 0.033%; no homozygotes.

Submission:

PreventionGenetics, part of Exact Sciences
Classification: Likely benign for BCAT1-related condition. Last evaluated: 2019-05-10. Review status: no assertion criteria provided. Collection method: clinical testing. Allele origin: germline.
Comment: This variant is classified as likely benign based on ACMG/AMP sequence variant interpretation guidelines (Richards et al. 2015 PMID: 25741868, with internal and published modifications).

NM_005504.7(BCAT1):c.1122T>C (p.Tyr374=)

Gene: BCAT1 (branched chain amino acid transaminase 1; minus strand). Cytogenetic location: 12p12.1.
Variant type: single nucleotide variant.
Coding change: c.1122T>C on transcript NM_005504.7 (MANE Select); coding-DNA position 1122, T replaced by C.
Protein change: p.Tyr374=; no amino-acid change (tyrosine 374 retained).
Molecular consequence: synonymous variant. On other transcripts: 3 prime UTR variant (1), non-coding transcript variant (5).
Genome position (GRCh38, 1-based): chr12:24,818,047, A>G on the plus strand (T>C on the coding strand, the complement: BCAT1 is on the minus strand). VCF-style: chr12-24818047-A-G. GRCh37 (hg19) VCF-style: chr12-24970981-A-G.
Other names: c.1011T>C, p.Tyr337= (NM_001178091.2); c.939T>C, p.Tyr313= (NM_001178092.2); c.1158T>C, p.Tyr386= (NM_001178093.2); c.1119T>C, p.Tyr373= (NM_001178094.2); c.*3T>C (NM_001413086.1); c.1194T>C, p.Tyr398= (NM_001413087.1); c.1185T>C, p.Tyr395= (NM_001413088.1); c.1167T>C, p.Tyr389= (NM_001413089.1); and 15 more.
Identifiers: ClinVar variation 3042288 (VCV003042288.2), dbSNP rs756053143, ClinGen allele CA6484696.
Genomic context (GRCh38, chr12:24,818,047, plus strand): 5'-ATTGTATCCTCTATTTTCCATTCAGGATAGCACAATTGTCCAGTCGCTCTCTTCTCTTCC[A>G]TACTGCAACAAAAGCAAGAAAACGTGTTTCAGTACAGAAGCTAACAGGGCAGAAATAGCT-3'
Protein context (NP_005495.2, residues 364-384): RILSKLTDIQ[Tyr374=]GREESDWTIV